The following is an entry in ClinVar:

ClinVar aggregate classification (germline): Uncertain significance. Review status: criteria provided, multiple submitters, no conflicts (2 of 4 stars). 2 submissions from 2 submitters: Uncertain significance (2). Last evaluated 2025-04-10.

Conditions:
Primary ciliary dyskinesia. Also called: Ciliary dyskinesia. Identifiers: Orphanet 244, MedGen C0008780, MONDO:0016575, HP:0012265.

Allele frequency attached by ClinVar (database versions not stated): gnomAD 0.00003; TOPMed 0.00003; ESP Exome Variant Server 0.00023.
gnomAD v4.1: 30 of 1,614,006 alleles (0.0019%); highest among the groups gnomAD compares: African/African-American, 0.0013%; no homozygotes.

Submissions (2):

Labcorp Genetics (formerly Invitae), Labcorp
Classification: Uncertain significance for Primary ciliary dyskinesia. Last evaluated: 2025-04-10. Review status: criteria provided, single submitter. Criteria: Invitae Variant Classification Sherloc (09022015). Collection method: clinical testing. Allele origin: germline.
Comment: This sequence change replaces proline, which is neutral and non-polar, with serine, which is neutral and polar, at codon 4673 of the DNAH8 protein (p.Pro4673Ser). This variant is present in population databases (rs144993102, gnomAD 0.05%). This missense change has been observed in individual(s) with clinical features of DNAH8-related conditions (internal data). ClinVar contains an entry for this variant (Variation ID: 849423). Invitae Evidence Modeling of protein sequence and biophysical properties (such as structural, functional, and spatial information, amino acid conservation, physicochemical variation, residue mobility, and thermodynamic stability) indicates that this missense variant is not expected to disrupt DNAH8 protein function with a negative predictive value of 80%. In summary, the available evidence is currently insufficient to determine the role of this variant in disease. Therefore, it has been classified as a Variant of Uncertain Significance.

Ambry Genetics
Classification: Uncertain significance. Last evaluated: 2021-12-06. Review status: criteria provided, single submitter. Criteria: Ambry Variant Classification Scheme 2023. Collection method: clinical testing. Allele origin: germline.

NM_001206927.2(DNAH8):c.14017C>T (p.Pro4673Ser)

Gene: DNAH8 (dynein axonemal heavy chain 8; plus strand). Cytogenetic location: 6p21.2.
Variant type: single nucleotide variant.
Coding change: c.14017C>T on transcript NM_001206927.2 (MANE Select); coding-DNA position 14017, C replaced by T.
Protein change: p.Pro4673Ser; replaces proline 4673 with serine.
Molecular consequence: missense variant.
Genome position (GRCh38, 1-based): chr6:39,030,285, C>T. VCF-style: chr6-39030285-C-T. GRCh37 (hg19) VCF-style: chr6-38998061-C-T.
Other names: c.13366C>T, p.Pro4456Ser (NM_001371.4); short protein forms P4456S, P4673S.
Identifiers: ClinVar variation 849423 (VCV000849423.11), dbSNP rs144993102, ClinGen allele CA3791840.